The following is an entry in ClinVar:

NM_007294.4(BRCA1):c.5518G>A (p.Asp1840Asn)

Gene: BRCA1 (BRCA1 DNA repair associated; minus strand). Cytogenetic location: 17q21.31.
Variant type: single nucleotide variant.
Coding change: c.5518G>A on transcript NM_007294.4 (MANE Select); coding-DNA position 5518, G replaced by A.
Protein change: p.Asp1840Asn; replaces aspartic acid 1840 with asparagine.
Molecular consequence: missense variant. On other transcripts: 3 prime UTR variant (1), non-coding transcript variant (1).
Genome position (GRCh38, 1-based): chr17:43,045,752, C>T on the plus strand (G>A on the coding strand, the complement: BRCA1 is on the minus strand). VCF-style: chr17-43045752-C-T. GRCh37 (hg19) VCF-style: chr17-41197769-C-T.
Other names: c.5305G>A, p.Asp1769Asn (NM_001407571.1, NM_001407907.1, NM_001407908.1 and 12 more transcripts); c.5584G>A, p.Asp1862Asn (NM_001407581.1, NM_001407582.1); c.5581G>A, p.Asp1861Asn (NM_001407583.1, NM_001407585.1, NM_001407587.1 and 1 more transcripts); c.5578G>A, p.Asp1860Asn (NM_001407590.1, NM_001407591.1); c.5518G>A, p.Asp1840Asn (NM_001407593.1, NM_001407594.1, NM_001407596.1 and 5 more transcripts); c.5515G>A, p.Asp1839Asn (NM_001407613.1, NM_001407614.1, NM_001407615.1 and 14 more transcripts); c.5512G>A, p.Asp1838Asn (NM_001407632.1, NM_001407633.1, NM_001407634.1 and 13 more transcripts); c.5440G>A, p.Asp1814Asn (NM_001407654.1, NM_001407655.1, NM_001407652.1 and 1 more transcripts); and 74 more; short protein forms D1840N, D1793N, D1861N, D736N, D1543N, D1773N, D1791N, D1797N.
Identifiers: ClinVar variation 580534 (VCV000580534.13), dbSNP rs1567756588, ClinGen allele CA10590285.

ClinVar aggregate classification (germline): Conflicting classifications of pathogenicity. Review status: criteria provided, conflicting classifications (1 of 4 stars). 3 submissions from 3 submitters: Uncertain significance (2); Likely benign (1). Last evaluated 2023-11-15.

Conditions:
Hereditary breast ovarian cancer syndrome. Also called: Hereditary breast and ovarian cancer; Hereditary breast and ovarian cancer syndrome; Hereditary breast and ovarian cancer syndrome (HBOC); Breast and ovarian cancer; BRCA1- and BRCA2-Associated Hereditary Breast and Ovarian Cancer; Hereditary breast and/or ovarian cancer syndrome. Identifiers: Orphanet 145, MedGen C0677776, MeSH D061325, MONDO:0003582. Disease mechanism: loss of function.
Hereditary cancer-predisposing syndrome. Also called: Tumor predisposition; Neoplastic Syndromes, Hereditary; Hereditary Cancer Syndrome; Hereditary neoplastic syndrome. Identifiers: Orphanet 140162, MedGen C0027672, MeSH D009386, MONDO:0015356.

Allele frequency attached by ClinVar (database versions not stated): gnomAD exomes below 0.00001.
gnomAD v4.1: 2 of 1,614,036 alleles (0.00012%); highest among the groups gnomAD compares: South Asian, 0.0022%; no homozygotes.

Submissions (4):

Ambry Genetics
Classification: Likely benign for Hereditary cancer-predisposing syndrome. Last evaluated: 2023-11-15. Review status: criteria provided, single submitter. Criteria: Ambry Variant Classification Scheme 2023. Collection method: clinical testing. Allele origin: germline.

Labcorp Genetics (formerly Invitae), Labcorp
Classification: Uncertain significance for Hereditary breast ovarian cancer syndrome. Last evaluated: 2023-05-22. Review status: criteria provided, single submitter. Criteria: Invitae Variant Classification Sherloc (09022015). Collection method: clinical testing. Allele origin: germline.
Comment: ClinVar contains an entry for this variant (Variation ID: 580534). This variant has not been reported in the literature in individuals affected with BRCA1-related conditions. This variant is not present in population databases (gnomAD no frequency). This sequence change replaces aspartic acid, which is acidic and polar, with asparagine, which is neutral and polar, at codon 1840 of the BRCA1 protein (p.Asp1840Asn). Advanced modeling performed at Invitae incorporating data from internal and/or published experimental studies (PMID: 30209399) indicates that this missense variant is not expected to disrupt BRCA1 function. In summary, the available evidence is currently insufficient to determine the role of this variant in disease. Therefore, it has been classified as a Variant of Uncertain Significance. Experimental studies have shown that this missense change does not substantially affect BRCA1 function (PMID: 30209399).

GeneDx
Classification: Uncertain significance. Last evaluated: 2022-08-08. Review status: criteria provided, single submitter. Criteria: GeneDx Variant Classification Process June 2021. Collection method: clinical testing. Allele origin: germline. Affected: yes.
Comment: Not observed at significant frequency in large population cohorts (gnomAD); In silico analysis supports that this missense variant has a deleterious effect on protein structure/function; Also known as 5637G>A; This variant is associated with the following publications: (PMID: 25348405, 30209399)

Brotman Baty Institute, University of Washington
No classification provided (evidence only). Condition: Breast-ovarian cancer, familial 1. Review status: no classification provided. Collection method: in vitro. Allele origin: not applicable. Functional consequence: functionally_normal. Not counted in ClinVar's aggregate classification.
ClinVar note: "not provided" was previously submitted as the classification for the variant. However, the classification appeared to be based only on an observation of functional data so it was converted to no classification on 2025-07-30.

Literature cited by the submitters: PubMed 30209399 (cited by Ambry Genetics and Labcorp Genetics (formerly Invitae), Labcorp).